The following is an entry in ClinVar:

ClinVar aggregate classification (germline): Uncertain significance. Review status: criteria provided, multiple submitters, no conflicts (2 of 4 stars). 2 submissions from 2 submitters: Uncertain significance (2). Last evaluated 2025-08-26.

Allele frequency attached by ClinVar (database versions not stated): ExAC 0.00013; 1000 Genomes Project 30x 0.00047; ESP Exome Variant Server 0.00015; 1000 Genomes Project 0.00040.
gnomAD v4.1: 478 of 1,614,134 alleles (0.03%); highest among the groups gnomAD compares: Non-Finnish European, 0.038%; no homozygotes.

Submissions (2):

Ambry Genetics
Classification: Uncertain significance. Last evaluated: 2025-08-26. Review status: criteria provided, single submitter. Criteria: Ambry Variant Classification Scheme 2023. Collection method: clinical testing. Allele origin: germline.

Labcorp Genetics (formerly Invitae), Labcorp
Classification: Uncertain significance. Last evaluated: 2022-01-27. Review status: criteria provided, single submitter. Criteria: Invitae Variant Classification Sherloc (09022015). Collection method: clinical testing. Allele origin: germline.
Comment: In summary, the available evidence is currently insufficient to determine the role of this variant in disease. Therefore, it has been classified as a Variant of Uncertain Significance. Algorithms developed to predict the effect of missense changes on protein structure and function are either unavailable or do not agree on the potential impact of this missense change (SIFT: "Deleterious"; PolyPhen-2: "Benign"; Align-GVGD: "Class C0"). This variant has not been reported in the literature in individuals affected with SIPA1L3-related conditions. This variant is present in population databases (rs199695282, gnomAD 0.02%). This sequence change replaces isoleucine, which is neutral and non-polar, with methionine, which is neutral and non-polar, at codon 886 of the SIPA1L3 protein (p.Ile886Met).

NM_015073.3(SIPA1L3):c.2658C>G (p.Ile886Met)

Gene: SIPA1L3 (signal induced proliferation associated 1 like 3; plus strand). Cytogenetic location: 19q13.13.
Variant type: single nucleotide variant.
Coding change: c.2658C>G on transcript NM_015073.3 (MANE Select); coding-DNA position 2658, C replaced by G.
Protein change: p.Ile886Met; replaces isoleucine 886 with methionine.
Molecular consequence: missense variant.
Genome position (GRCh38, 1-based): chr19:38,119,672, C>G. VCF-style: chr19-38119672-C-G. GRCh37 (hg19) VCF-style: chr19-38610312-C-G.
Other names: c.2658C>G (NM_015073.1); short protein forms I886M.
Identifiers: ClinVar variation 2054782 (VCV002054782.5), dbSNP rs199695282, ClinGen allele CA9409747.